The following is an entry in ClinVar:

ClinVar aggregate classification (germline): Pathogenic (1 of 4 stars; one submission).

Submission:

GeneDx
Classification: Pathogenic. Last evaluated: 2020-10-12. Review status: criteria provided, single submitter. Criteria: GeneDx Variant Classification Process June 2021. Collection method: clinical testing. Allele origin: germline. Affected: yes.
Comment: Nonsense variant predicted to result in protein truncation or nonsense mediated decay in a gene for which loss-of-function is a known mechanism of disease; Not observed in large population cohorts (Lek et al., 2016); Has not been previously published as pathogenic or benign to our knowledge

NM_001303052.2(MYT1L):c.487G>T (p.Glu163Ter)

Gene: MYT1L (myelin transcription factor 1 like; minus strand). Cytogenetic location: 2p25.3.
Variant type: single nucleotide variant.
Coding change: c.487G>T on transcript NM_001303052.2 (MANE Select); coding-DNA position 487, G replaced by T.
Protein change: p.Glu163Ter; replaces glutamic acid 163 with a stop codon.
Molecular consequence: nonsense.
Genome position (GRCh38, 1-based): chr2:1,943,000, C>A on the plus strand (G>T on the coding strand, the complement: MYT1L is on the minus strand). VCF-style: chr2-1943000-C-A. GRCh37 (hg19) VCF-style: chr2-1946772-C-A.
Other names: c.487G>T, p.Glu163Ter (NM_001329844.2, NM_001329845.1, NM_001329846.3 and 6 more transcripts); short protein forms E163*.
Identifiers: ClinVar variation 280449 (VCV000280449.3), dbSNP rs886041655, ClinGen allele CA10602838.